The following is an entry in ClinVar:

ClinVar aggregate classification (germline): Uncertain significance (1 of 4 stars; one submission).

Submission:

Medical Genetic Center, Changzhi Maternal and Child Health Care Hospital
Classification: Uncertain significance. Last evaluated: 2025-12-10. Review status: criteria provided, single submitter. Criteria: ACMG/ClinGen CNV Guidelines, 2019. Collection method: clinical testing. Allele origin: unknown.

GRCh38/hg38 16p12.2(chr16:21569897-21728879)x1

Genes: IGSF6 (immunoglobulin superfamily member 6), METTL9 (methyltransferase 9, His-X-His N1(pi)-histidine), OTOA (otoancorin), LOC101927814 (uncharacterized LOC101927814), LOC130058624 (ATAC-STARR-seq lymphoblastoid silent region 7257) and 3 more. Cytogenetic location: 16p12.2.
Variant type: copy number loss.
Change: copy number 1 (one copy instead of two) of chr16:21,569,897-21,728,879 (159.0 kb, GRCh38 coordinates, 1-based), cytogenetic band 16p12.2.
Identifiers: ClinVar variation 4796345 (VCV004796345.1).